The following is an entry in ClinVar:

NM_007294.4(BRCA1):c.2438G>A (p.Gly813Glu)

Gene: BRCA1 (BRCA1 DNA repair associated; minus strand). Cytogenetic location: 17q21.31.
Variant type: single nucleotide variant.
Coding change: c.2438G>A on transcript NM_007294.4 (MANE Select); coding-DNA position 2438, G replaced by A.
Protein change: p.Gly813Glu; replaces glycine 813 with glutamic acid.
Molecular consequence: missense variant. On other transcripts: intron variant (137).
Genome position (GRCh38, 1-based): chr17:43,093,093, C>T on the plus strand (G>A on the coding strand, the complement: BRCA1 is on the minus strand). VCF-style: chr17-43093093-C-T. GRCh37 (hg19) VCF-style: chr17-41245110-C-T.
Other names: c.787+1651G>A (NM_001407970.1, NM_001407980.1, NM_001407993.1 and 17 more transcripts); c.2225G>A, p.Gly742Glu (NM_001407571.1, NM_001407853.1, NM_001407894.1 and 9 more transcripts); c.2438G>A, p.Gly813Glu (NM_001407581.1, NM_001407582.1, NM_001407583.1 and 30 more transcripts); c.2435G>A, p.Gly812Glu (NM_001407587.1, NM_001407590.1, NM_001407591.1 and 22 more transcripts); c.2429G>A, p.Gly810Glu (NM_001407646.1, NM_001407647.1); c.2315G>A, p.Gly772Glu (NM_001407648.1, NM_001407664.1, NM_001407665.1 and 19 more transcripts); c.2312G>A, p.Gly771Glu (NM_001407649.1, NM_001407670.1, NM_001407671.1 and 11 more transcripts); c.2360G>A, p.Gly787Glu (NM_001407653.1, NM_001407654.1, NM_001407655.1 and 4 more transcripts); and 41 more; short protein forms G517E, G645E, G685E, G686E, G701E, G702E, G724E, G725E.
Identifiers: ClinVar variation 3386216 (VCV003386216.2).
Genomic context (GRCh38, chr17:43,093,093, plus strand): 5'-AATGGATACTTAAAGCCTTCTGTGTCATTTCTATTATCTTTGGAACAACCATGAATTAGT[C>T]CCTTGGGGTTTTCAAATGCTGCACACTGACTCACACATTTATTTGGTTCTGTTTTTGCCT-3'
Protein context (NP_009225.1, residues 803-823): SQCAAFENPK[Gly813Glu]LIHGCSKDNR

ClinVar aggregate classification (germline): Uncertain significance. Review status: criteria provided, multiple submitters, no conflicts (2 of 4 stars). 2 submissions from 2 submitters: Uncertain significance (2). Last evaluated 2024-06-09.

Conditions:
BRCA1-related cancer predisposition. Identifiers: MedGen CN377757, MONDO:0700268.
Hereditary cancer-predisposing syndrome. Also called: Neoplastic Syndromes, Hereditary; Hereditary Cancer Syndrome; Tumor predisposition; Hereditary neoplastic syndrome. Identifiers: Orphanet 140162, MedGen C0027672, MeSH D009386, MONDO:0015356.

Submissions (2):

All of Us Research Program, National Institutes of Health
Classification: Uncertain significance for BRCA1-related cancer predisposition. Last evaluated: 2024-06-09. Review status: criteria provided, single submitter. Criteria: ACMG Guidelines, 2015. Collection method: clinical testing. Allele origin: germline. Inheritance: Autosomal dominant inheritance. Observed: 1 variant allele, 1 heterozygote.
Comment: This missense variant replaces glycine with glutamic acid at codon 813 of the BRCA1 protein. Computational prediction suggests that this variant may not impact protein structure and function. To our knowledge, functional studies have not been reported for this variant. This variant has not been reported in individuals affected with BRCA1-related disorders in the literature. This variant has not been identified in the general population by the Genome Aggregation Database (gnomAD). The available evidence is insufficient to determine the role of this variant in disease conclusively. Therefore, this variant is classified as a Variant of Uncertain Significance.

This study involves interpretation of variants in research participants for the purpose of population health screening. Participant phenotype was not available at the time of variant classification. Additional details can be found in publication PMID: 35346344, PMCID: PMC8962531

Color Diagnostics, LLC DBA Color Health
Classification: Uncertain significance for Hereditary cancer-predisposing syndrome. Last evaluated: 2024-03-29. Review status: criteria provided, single submitter. Criteria: ACMG Guidelines, 2015. Collection method: clinical testing. Allele origin: germline.
Comment: This missense variant replaces glycine with glutamic acid at codon 813 of the BRCA1 protein. Computational prediction suggests that this variant may not impact protein structure and function. To our knowledge, functional studies have not been reported for this variant. This variant has not been reported in individuals affected with BRCA1-related disorders in the literature. This variant has not been identified in the general population by the Genome Aggregation Database (gnomAD). The available evidence is insufficient to determine the role of this variant in disease conclusively. Therefore, this variant is classified as a Variant of Uncertain Significance.